The following is an entry in ClinVar:

ClinVar aggregate classification (germline): Uncertain significance (1 of 4 stars; one submission).

Conditions:
Early-onset Lafora body disease. Also called: Epilepsy, progressive myoclonic, 10. Identifiers: Orphanet 324290, MedGen C4225258, MONDO:0014717, OMIM 616640.

Allele frequency attached by ClinVar (database versions not stated): gnomAD exomes below 0.00001 and 0.00001; ExAC 0.00001.
gnomAD v4.1: 2 of 1,611,824 alleles (0.00012%); highest among the groups gnomAD compares: Admixed American, 0.0033%; no homozygotes.

Submission:

Labcorp Genetics (formerly Invitae), Labcorp
Classification: Uncertain significance for Early-onset Lafora body disease. Last evaluated: 2020-08-19. Review status: criteria provided, single submitter. Criteria: Invitae Variant Classification Sherloc (09022015). Collection method: clinical testing. Allele origin: germline.
Comment: In summary, the available evidence is currently insufficient to determine the role of this variant in disease. Therefore, it has been classified as a Variant of Uncertain Significance. This sequence change replaces alanine with threonine at codon 248 of the PRDM8 protein (p.Ala248Thr). The alanine residue is weakly conserved and there is a small physicochemical difference between alanine and threonine. This variant is present in population databases (rs750455114, ExAC 0.009%). This variant has not been reported in the literature in individuals with PRDM8-related conditions. Algorithms developed to predict the effect of missense changes on protein structure and function output the following: SIFT: "Tolerated"; PolyPhen-2: "Benign"; Align-GVGD: "Class C0". The threonine amino acid residue is found in multiple mammalian species, suggesting that this missense change does not adversely affect protein function. These predictions have not been confirmed by published functional studies and their clinical significance is uncertain.

NM_001099403.2(PRDM8):c.742G>A (p.Ala248Thr)

Gene: PRDM8 (PR/SET domain 8; plus strand). Cytogenetic location: 4q21.21.
Variant type: single nucleotide variant.
Coding change: c.742G>A on transcript NM_001099403.2 (MANE Select); coding-DNA position 742, G replaced by A.
Protein change: p.Ala248Thr; replaces alanine 248 with threonine.
Molecular consequence: missense variant.
Genome position (GRCh38, 1-based): chr4:80,202,204, G>A. VCF-style: chr4-80202204-G-A. GRCh37 (hg19) VCF-style: chr4-81123358-G-A.
Other names: c.742G>A, p.Ala248Thr (NM_020226.4); short protein forms A248T.
Identifiers: ClinVar variation 1046471 (VCV001046471.8), dbSNP rs750455114, ClinGen allele CA2982320.
Genomic context (GRCh38, chr4:80,202,204, plus strand): 5'-TGCAAAGCCGGCCCCCTCCACCACTACCCATCCCCCTCCCCGGAAAGCAGCAACCCATCC[G>A]CTGCCGCCGGCGGCAGCAGCGCGAAGCCATCCACAGACTTCCACAACCTGGCCAGGGAGC-3'
Protein context (NP_001092873.1, residues 238-258): SPSPESSNPS[Ala248Thr]AAGGSSAKPS